The following is an entry in ClinVar:

ClinVar aggregate classification (germline): Pathogenic (1 of 4 stars; one submission).

Conditions:
Hereditary cancer-predisposing syndrome. Also called: Hereditary Cancer Syndrome; Hereditary neoplastic syndrome; Neoplastic Syndromes, Hereditary; Tumor predisposition. Identifiers: Orphanet 140162, MedGen C0027672, MeSH D009386, MONDO:0015356.

Submission:

Ambry Genetics
Classification: Pathogenic for Hereditary cancer-predisposing syndrome. Last evaluated: 2015-10-08. Review status: criteria provided, single submitter. Criteria: Ambry Variant Classification Scheme 2023. Collection method: clinical testing. Allele origin: germline.
Comment: The c.5524dupC pathogenic mutation, located in coding exon 36 of the ATM gene, results from a duplication of C at nucleotide position 5524, causing a translational frameshift with a predicted alternate stop codon. Since frameshifts are typically deleterious in nature, this alteration is interpreted as a disease-causing mutation (ACMG Recommendations for Standards for Interpretation and Reporting of Sequence Variations. Revision 2007. Genet Med. 2008;10:294).

NM_000051.4(ATM):c.5524dup (p.Leu1842fs)

Gene: ATM (ATM serine/threonine kinase; plus strand). Cytogenetic location: 11q22.3.
Variant type: Duplication.
Coding change: c.5524dup on transcript NM_000051.4 (MANE Select); coding-DNA position 5524, one base duplicated (C; older notation c.5524dupC).
Protein change: p.Leu1842fs; shifts the reading frame from leucine 1842.
Molecular consequence: frameshift variant.
Genome position (GRCh38, 1-based): chr11:108,304,702, C duplicated. VCF-style (leftmost placement, unchanged base first): chr11-108304701-A-AC. GRCh37 (hg19) VCF-style: chr11-108175428-A-AC.
Other names: c.5524dup, p.Leu1842fs (NM_001351834.2); c.5524dupC (NM_000051.3); short protein forms L1842fs.
Identifiers: ClinVar variation 1748089 (VCV001748089.2), dbSNP rs2546986965, ClinGen allele CA2580083384.
Genomic context (GRCh38, chr11:108,304,701, plus strand): 5'-CAAACTATTGGGTGGATTTGTTTGTATATTCTAGGTGAAAACTGACTTTTGTCAGACTGT[A>AC]CTTCCATACTTGATTCATGATATTTTACTCCAAGATACAAATGAATCATGGAGAAATCTG-3'